The following is an entry in ClinVar:

ClinVar aggregate classification (germline): Likely benign. Review status: criteria provided, multiple submitters, no conflicts (2 of 4 stars). 3 submissions from 3 submitters: Likely benign (3). Last evaluated 2025-06-09.

Conditions:
Wilson disease (WND). Also called: Wilson's disease. Identifiers: Orphanet 905, MedGen C0019202, MONDO:0010200, OMIM 277900. Disease mechanism: loss of function.

Allele frequency attached by ClinVar (database versions not stated): ExAC 0.00001; gnomAD exomes 0.00001.
gnomAD v4.1: 4 of 1,613,640 alleles (0.00025%); highest among the groups gnomAD compares: Admixed American, 0.0017%; no homozygotes.

Submissions (3):

Color Diagnostics, LLC DBA Color Health
Classification: Likely benign for Wilson disease. Last evaluated: 2025-06-09. Review status: criteria provided, single submitter. Criteria: ACMG Guidelines, 2015. Collection method: clinical testing. Allele origin: germline.

Labcorp Genetics (formerly Invitae), Labcorp
Classification: Likely benign for Wilson disease. Last evaluated: 2024-01-02. Review status: criteria provided, single submitter. Criteria: Invitae Variant Classification Sherloc (09022015). Collection method: clinical testing. Allele origin: germline.

CeGaT Center for Human Genetics Tuebingen
Classification: Likely benign. Last evaluated: 2023-10-01. Review status: criteria provided, single submitter. Criteria: CeGaT Center For Human Genetics Tuebingen Variant Classification Criteria Version 2. Collection method: clinical testing. Allele origin: germline. Affected: yes. Observed: 1 variant allele.
Comment: ATP7B: BP4, BP7

NM_000053.4(ATP7B):c.4092G>T (p.Val1364=)

Gene: ATP7B (ATPase copper transporting beta; minus strand). Cytogenetic location: 13q14.3.
Variant type: single nucleotide variant.
Coding change: c.4092G>T on transcript NM_000053.4 (MANE Select); coding-DNA position 4092, G replaced by T.
Protein change: p.Val1364=; no amino-acid change (valine 1364 retained).
Molecular consequence: synonymous variant.
Genome position (GRCh38, 1-based): chr13:51,935,625, C>A on the plus strand (G>T on the coding strand, the complement: ATP7B is on the minus strand). VCF-style: chr13-51935625-C-A. GRCh37 (hg19) VCF-style: chr13-52509761-C-A.
Other names: c.3471G>T, p.Val1157= (NM_001005918.3); c.3759G>T, p.Val1253= (NM_001243182.2); c.3858G>T, p.Val1286= (NM_001330578.2); c.3840G>T, p.Val1280= (NM_001330579.2).
Identifiers: ClinVar variation 1594921 (VCV001594921.33), dbSNP rs771057142, ClinGen allele CA6988494.